The following is an entry in ClinVar:

NM_000179.3(MSH6):c.1784T>C (p.Leu595Ser)

Gene: MSH6 (mutS homolog 6; plus strand). Cytogenetic location: 2p16.3.
Variant type: single nucleotide variant.
Coding change: c.1784T>C on transcript NM_000179.3 (MANE Select); coding-DNA position 1784, T replaced by C.
Protein change: p.Leu595Ser; replaces leucine 595 with serine.
Molecular consequence: missense variant.
Genome position (GRCh38, 1-based): chr2:47,799,767, T>C. VCF-style: chr2-47799767-T-C. GRCh37 (hg19) VCF-style: chr2-48026906-T-C.
Other names: c.1394T>C, p.Leu465Ser (NM_001281492.2); c.878T>C, p.Leu293Ser (NM_001281493.2, NM_001281494.2); short protein forms L595S, L293S, L465S.
Identifiers: ClinVar variation 525841 (VCV000525841.12), dbSNP rs1553413170, ClinGen allele CA346749252.

ClinVar aggregate classification (germline): Uncertain significance. Review status: criteria provided, multiple submitters, no conflicts (2 of 4 stars). 2 submissions from 2 submitters: Uncertain significance (2). Last evaluated 2025-12-30.

Conditions:
Hereditary nonpolyposis colorectal neoplasms. Identifiers: MedGen C0009405, MeSH D003123.
Hereditary cancer-predisposing syndrome. Also called: Neoplastic Syndromes, Hereditary; Tumor predisposition; Hereditary Cancer Syndrome; Hereditary neoplastic syndrome. Identifiers: Orphanet 140162, MedGen C0027672, MeSH D009386, MONDO:0015356.

Allele frequency attached by ClinVar (database versions not stated): gnomAD exomes below 0.00001.
gnomAD v4.1: 2 of 1,614,208 alleles (0.00012%); highest among the groups gnomAD compares: Non-Finnish European, 0.00017%; no homozygotes.

Submissions (2):

Labcorp Genetics (formerly Invitae), Labcorp
Classification: Uncertain significance for Hereditary nonpolyposis colorectal neoplasms. Last evaluated: 2025-12-30. Review status: criteria provided, single submitter. Criteria: Invitae Variant Classification Sherloc (09022015). Collection method: clinical testing. Allele origin: germline.
Comment: This sequence change replaces leucine, which is neutral and non-polar, with serine, which is neutral and polar, at codon 595 of the MSH6 protein (p.Leu595Ser). This variant is not present in population databases (gnomAD no frequency). This variant has not been reported in the literature in individuals affected with MSH6-related conditions. ClinVar contains an entry for this variant (Variation ID: 525841). Invitae Evidence Modeling of protein sequence and biophysical properties (such as structural, functional, and spatial information, amino acid conservation, physicochemical variation, residue mobility, and thermodynamic stability) indicates that this missense variant is expected to disrupt MSH6 protein function with a positive predictive value of 95%. In summary, the available evidence is currently insufficient to determine the role of this variant in disease. Therefore, it has been classified as a Variant of Uncertain Significance.

Ambry Genetics
Classification: Uncertain significance for Hereditary cancer-predisposing syndrome. Last evaluated: 2023-11-02. Review status: criteria provided, single submitter. Criteria: Ambry Variant Classification Scheme 2023. Collection method: clinical testing. Allele origin: germline.
Comment: The p.L595S variant (also known as c.1784T>C), located in coding exon 4 of the MSH6 gene, results from a T to C substitution at nucleotide position 1784. The leucine at codon 595 is replaced by serine, an amino acid with dissimilar properties. This amino acid position is conserved. In addition, this alteration is predicted to be deleterious by in silico analysis. Since supporting evidence is limited at this time, the clinical significance of this alteration remains unclear.